The following is an entry in ClinVar:

NM_182914.3(SYNE2):c.5294A>T (p.Glu1765Val)

Gene: SYNE2 (spectrin repeat containing nuclear envelope protein 2; plus strand). Cytogenetic location: 14q23.2.
Variant type: single nucleotide variant.
Coding change: c.5294A>T on transcript NM_182914.3 (MANE Select); coding-DNA position 5294, A replaced by T.
Protein change: p.Glu1765Val; replaces glutamic acid 1765 with valine.
Molecular consequence: missense variant.
Genome position (GRCh38, 1-based): chr14:64,021,457, A>T. VCF-style: chr14-64021457-A-T. GRCh37 (hg19) VCF-style: chr14-64488175-A-T.
Other names: c.5294A>T, p.Glu1765Val (NM_015180.6); short protein forms E1765V.
Identifiers: ClinVar variation 1418952 (VCV001418952.6), dbSNP rs558820427, ClinGen allele CA7220435.

ClinVar aggregate classification (germline): Uncertain significance (1 of 4 stars; one submission).

Conditions:
Emery-Dreifuss muscular dystrophy 5, autosomal dominant (EDMD5). Also called: EMERY-DREIFUSS MUSCULAR DYSTROPHY 5. Identifiers: Orphanet 261, MedGen C2751805, MONDO:0013072, OMIM 612999.

Allele frequency attached by ClinVar (database versions not stated): gnomAD exomes below 0.00001; ExAC 0.00001; TOPMed 0.00002; gnomAD 0.00004; 1000 Genomes Project 30x 0.00016; 1000 Genomes Project 0.00020.
gnomAD v4.1: 7 of 1,614,136 alleles (0.00043%); highest among the groups gnomAD compares: African/African-American, 0.0093%; no homozygotes.

Submission:

Labcorp Genetics (formerly Invitae), Labcorp
Classification: Uncertain significance for Emery-Dreifuss muscular dystrophy 5, autosomal dominant. Last evaluated: 2022-06-27. Review status: criteria provided, single submitter. Criteria: Invitae Variant Classification Sherloc (09022015). Collection method: clinical testing. Allele origin: germline.
Comment: In summary, the available evidence is currently insufficient to determine the role of this variant in disease. Therefore, it has been classified as a Variant of Uncertain Significance. Algorithms developed to predict the effect of sequence changes on RNA splicing suggest that this variant may create or strengthen a splice site. Algorithms developed to predict the effect of missense changes on protein structure and function are either unavailable or do not agree on the potential impact of this missense change (SIFT: "Tolerated"; PolyPhen-2: "Probably Damaging"; Align-GVGD: "Class C0"). This variant has not been reported in the literature in individuals affected with SYNE2-related conditions. This variant is present in population databases (rs558820427, gnomAD 0.008%). This sequence change replaces glutamic acid, which is acidic and polar, with valine, which is neutral and non-polar, at codon 1765 of the SYNE2 protein (p.Glu1765Val).